The following is an entry in ClinVar:

ClinVar aggregate classification (germline): Pathogenic. Review status: reviewed by expert panel (3 of 4 stars). 4 submissions from 4 submitters: Pathogenic (1). 3 of the submissions do not count toward it. Last evaluated 2016-09-08.

Conditions:
Hereditary cancer-predisposing syndrome. Also called: Neoplastic Syndromes, Hereditary; Tumor predisposition; Hereditary neoplastic syndrome; Hereditary Cancer Syndrome. Identifiers: Orphanet 140162, MedGen C0027672, MeSH D009386, MONDO:0015356.
Breast-ovarian cancer, familial, susceptibility to, 2 (BROVCA2). Also called: BRCA2 Hereditary Breast and Ovarian Cancer. Identifiers: Orphanet 145, MedGen C2675520, MONDO:0012933, OMIM 612555. Disease mechanism: loss of function.

Submissions (4):

Evidence-based Network for the Interpretation of Germline Mutant Alleles (ENIGMA)
Classification: Pathogenic for Breast-ovarian cancer, familial, susceptibility to, 2. Last evaluated: 2016-09-08. Review status: reviewed by expert panel. Criteria: ENIGMA BRCA1/2 Classification Criteria (2015). Collection method: curation. Allele origin: germline.
Comment: Variant allele predicted to encode a truncated non-functional protein.

Ambry Genetics
Classification: Pathogenic for Hereditary cancer-predisposing syndrome. Last evaluated: 2024-10-08. Review status: criteria provided, single submitter. Criteria: Ambry Variant Classification Scheme 2023. Collection method: clinical testing. Allele origin: germline. Not counted in ClinVar's aggregate classification.
Comment: The c.9177delA pathogenic mutation, located in coding exon 23 of the BRCA2 gene, results from a deletion of one nucleotide at nucleotide position 9177, causing a translational frameshift with a predicted alternate stop codon (p.K3059Nfs*3). This variant is considered to be rare based on population cohorts in the Genome Aggregation Database (gnomAD). This alteration is expected to result in loss of function by premature protein truncation or nonsense-mediated mRNA decay. As such, this alteration is interpreted as a disease-causing mutation.

Consortium of Investigators of Modifiers of BRCA1/2 (CIMBA), c/o University of Cambridge
Classification: Pathogenic for Breast-ovarian cancer, familial, susceptibility to, 2. Last evaluated: 2015-10-02. Review status: criteria provided, single submitter. Criteria: CIMBA Mutation Classification guidelines May 2016. Collection method: clinical testing. Allele origin: germline. Not counted in ClinVar's aggregate classification.

Breast Cancer Information Core (BIC) (BRCA2)
Classification: Pathogenic for Breast-ovarian cancer, familial 2. Last evaluated: 2004-02-20. Review status: no assertion criteria provided. Collection method: clinical testing. Allele origin: germline. Affected: yes. Observed: 1 variant allele. Not counted in ClinVar's aggregate classification.

NM_000059.4(BRCA2):c.9177del (p.Lys3059fs)

Gene: BRCA2 (BRCA2 DNA repair associated; plus strand). Cytogenetic location: 13q13.1.
Variant type: Deletion.
Coding change: c.9177del on transcript NM_000059.4 (MANE Select); coding-DNA position 9177, one base deleted (A; older notation c.9177delA).
Protein change: p.Lys3059fs; shifts the reading frame from lysine 3059.
Molecular consequence: frameshift variant.
Genome position (GRCh38, 1-based): chr13:32,380,066, A deleted; the last of 3 consecutive A bases (chr13:32,380,064-32,380,066); deleting any one gives the same sequence. VCF-style (leftmost placement, unchanged base first): chr13-32380063-CA-C. GRCh37 (hg19) VCF-style: chr13-32954200-CA-C.
Other names: 9405delA; c.9177delA (NM_000059.3).
Identifiers: ClinVar variation 52768 (VCV000052768.6), dbSNP rs80359751, ClinGen allele CA026018.